The following is an entry in ClinVar:

NM_004329.3(BMPR1A):c.1166+5G>A

Gene: BMPR1A (bone morphogenetic protein receptor type 1A; plus strand). Cytogenetic location: 10q23.2.
Variant type: single nucleotide variant.
Coding change: c.1166+5G>A on transcript NM_004329.3 (MANE Select); 5 bases into the intron after coding-DNA position 1166, G replaced by A.
Molecular consequence: intron variant.
Genome position (GRCh38, 1-based): chr10:86,919,474, G>A. VCF-style: chr10-86919474-G-A. GRCh37 (hg19) VCF-style: chr10-88679231-G-A.
Identifiers: ClinVar variation 861601 (VCV000861601.11), dbSNP rs1843629187, ClinGen allele CA916081596.

ClinVar aggregate classification (germline): Uncertain significance. Review status: criteria provided, multiple submitters, no conflicts (2 of 4 stars). 3 submissions from 3 submitters: Uncertain significance (3). Last evaluated 2025-12-23.

Conditions:
Hereditary cancer-predisposing syndrome. Also called: Hereditary neoplastic syndrome; Tumor predisposition; Neoplastic Syndromes, Hereditary; Hereditary Cancer Syndrome. Identifiers: Orphanet 140162, MedGen C0027672, MeSH D009386, MONDO:0015356.
Juvenile polyposis syndrome (JPS). Identifiers: Orphanet 2929, MedGen C0345893, MONDO:0017380, OMIM 174900.

Submissions (3):

Labcorp Genetics (formerly Invitae), Labcorp
Classification: Uncertain significance for Juvenile polyposis syndrome. Last evaluated: 2025-12-23. Review status: criteria provided, single submitter. Criteria: Invitae Variant Classification Sherloc (09022015). Collection method: clinical testing. Allele origin: germline.
Comment: This sequence change falls in intron 10 of the BMPR1A gene. It does not directly change the encoded amino acid sequence of the BMPR1A protein. It affects a nucleotide within the consensus splice site. This variant is not present in population databases (gnomAD no frequency). This variant has not been reported in the literature in individuals affected with BMPR1A-related conditions. ClinVar contains an entry for this variant (Variation ID: 861601). Variants that disrupt the consensus splice site are a relatively common cause of aberrant splicing (PMID: 17576681, 9536098). Algorithms developed to predict the effect of sequence changes on RNA splicing suggest that this variant is not likely to affect RNA splicing. In summary, the available evidence is currently insufficient to determine the role of this variant in disease. Therefore, it has been classified as a Variant of Uncertain Significance.

St. Jude Molecular Pathology, St. Jude Children's Research Hospital
Classification: Uncertain significance for Juvenile polyposis syndrome. Last evaluated: 2023-10-20. Review status: criteria provided, single submitter. Criteria: St. Jude Assertion Criteria 2020. Collection method: clinical testing. Allele origin: germline.
Comment: The BMPR1A c.1166+5G>A intronic change results from a G to A substitution at the +5 position of intron 10 of the BMPR1A gene. Algorithms that predict the impact of sequence changes on splicing indicate that this variant does not affect splicing, but to our knowledge these predictions have not been confirmed by RNA studies. This variant is absent in gnomAD v2.1.1. In summary, the evidence currently available is insufficient to determine the clinical significance of this variant. It has therefore been classified as of uncertain significance.

Ambry Genetics
Classification: Uncertain significance for Hereditary cancer-predisposing syndrome. Last evaluated: 2021-05-01. Review status: criteria provided, single submitter. Criteria: Ambry Variant Classification Scheme 2023. Collection method: clinical testing. Allele origin: germline.
Comment: The c.1166+5G>A intronic variant results from a G to A substitution 5 nucleotides after coding exon 8 in the BMPR1A gene. This nucleotide position is not well conserved in available vertebrate species. In silico splice site analysis predicts that this alteration will not have any significant effect on splicing. Since supporting evidence is limited at this time, the clinical significance of this alteration remains unclear.

Literature cited by the submitters: PubMed 17576681 (cited by Labcorp Genetics (formerly Invitae), Labcorp); PubMed 9536098 (cited by Labcorp Genetics (formerly Invitae), Labcorp).